The following is an entry in ClinVar:

ClinVar aggregate classification (germline): Conflicting classifications of pathogenicity. Review status: criteria provided, conflicting classifications (1 of 4 stars). 3 submissions from 3 submitters: Uncertain significance (2); Likely benign (1). Last evaluated 2025-10-09.

Conditions:
Hereditary cancer-predisposing syndrome. Also called: Hereditary neoplastic syndrome; Neoplastic Syndromes, Hereditary; Tumor predisposition; Hereditary Cancer Syndrome. Identifiers: Orphanet 140162, MedGen C0027672, MeSH D009386, MONDO:0015356.
Fanconi anemia complementation group O. Also called: RAD51C-Related Fanconi Anemia. Identifiers: Orphanet 84, MedGen C3150653, MONDO:0013248, OMIM 613390.

Allele frequency attached by ClinVar (database versions not stated): gnomAD exomes below 0.00001; ExAC 0.00001.
gnomAD v4.1: 1 of 1,612,718 alleles (0.000062%); highest among the groups gnomAD compares: South Asian, 0.0011%; no homozygotes.

Submissions (3):

Ambry Genetics
Classification: Likely benign for Hereditary cancer-predisposing syndrome. Last evaluated: 2025-10-09. Review status: criteria provided, single submitter. Criteria: Ambry Variant Classification Scheme 2023. Collection method: clinical testing. Allele origin: germline.

Labcorp Genetics (formerly Invitae), Labcorp
Classification: Uncertain significance for Fanconi anemia complementation group O. Last evaluated: 2025-05-11. Review status: criteria provided, single submitter. Criteria: Invitae Variant Classification Sherloc (09022015). Collection method: clinical testing. Allele origin: germline.
Comment: This sequence change replaces glycine, which is neutral and non-polar, with valine, which is neutral and non-polar, at codon 51 of the RAD51C protein (p.Gly51Val). This variant is present in population databases (rs758236529, gnomAD 0.003%). This variant has not been reported in the literature in individuals affected with RAD51C-related conditions. ClinVar contains an entry for this variant (Variation ID: 1004234). Invitae Evidence Modeling of protein sequence and biophysical properties (such as structural, functional, and spatial information, amino acid conservation, physicochemical variation, residue mobility, and thermodynamic stability) indicates that this missense variant is expected to disrupt RAD51C protein function with a positive predictive value of 80%. In summary, the available evidence is currently insufficient to determine the role of this variant in disease. Therefore, it has been classified as a Variant of Uncertain Significance.

Quest Diagnostics Nichols Institute San Juan Capistrano
Classification: Uncertain significance. Last evaluated: 2023-06-12. Review status: criteria provided, single submitter. Criteria: Quest Diagnostics criteria. Collection method: clinical testing. Allele origin: unknown.
Comment: This variant has not been reported in the published literature. The frequency of this variant in the general population, 0.000004 (1/250872 chromosomes (Genome Aggregation Database)), is uninformative in the assessment of its pathogenicity. Analysis of this variant using bioinformatics tools for the prediction of the effect of amino acid changes on protein structure and function yielded conflicting predictions that this variant is benign or damaging. Based on the available information, we are unable to determine the clinical significance of this variant.

NM_058216.3(RAD51C):c.152G>T (p.Gly51Val)

Gene: RAD51C (RAD51 paralog C; plus strand). Cytogenetic location: 17q22.
Variant type: single nucleotide variant.
Coding change: c.152G>T on transcript NM_058216.3 (MANE Select); coding-DNA position 152, G replaced by T.
Protein change: p.Gly51Val; replaces glycine 51 with valine.
Molecular consequence: missense variant. On other transcripts: non-coding transcript variant (2).
Genome position (GRCh38, 1-based): chr17:58,694,937, G>T. VCF-style: chr17-58694937-G-T. GRCh37 (hg19) VCF-style: chr17-56772298-G-T.
Other names: c.152G>T (NM_058216.2, NM_058216.1); c.152G>T, p.Gly51Val (NM_002876.4); short protein forms G51V.
Identifiers: ClinVar variation 1004234 (VCV001004234.10), dbSNP rs758236529, ClinGen allele CA8677178.